The following is an entry in ClinVar:

ClinVar aggregate classification (germline): Uncertain significance (1 of 4 stars; one submission).

Conditions:
Inborn genetic diseases. Identifiers: MedGen C0950123, MeSH D030342.

gnomAD v4.1: 3 of 1,613,996 alleles (0.00019%); highest among the groups gnomAD compares: African/African-American, 0.0013%; no homozygotes.

Submission:

Ambry Genetics
Classification: Uncertain significance for Inborn genetic diseases. Last evaluated: 2025-03-20. Review status: criteria provided, single submitter. Criteria: Ambry Variant Classification Scheme 2023. Collection method: clinical testing. Allele origin: germline.
Comment: The p.T483A variant (also known as c.1447A>G), located in coding exon 8 of the MECOM gene, results from an A to G substitution at nucleotide position 1447. The threonine at codon 483 is replaced by alanine, an amino acid with similar properties. This amino acid position is conserved. In addition, this alteration is predicted to be tolerated by in silico analysis. Based on the available evidence, the clinical significance of this variant remains unclear.

NM_004991.4(MECOM):c.1447A>G (p.Thr483Ala)

Gene: MECOM (MDS1 and EVI1 complex locus; minus strand). Cytogenetic location: 3q26.2.
Variant type: single nucleotide variant.
Coding change: c.1447A>G on transcript NM_004991.4 (MANE Select); coding-DNA position 1447, A replaced by G.
Protein change: p.Thr483Ala; replaces threonine 483 with alanine.
Molecular consequence: missense variant. On other transcripts: intron variant (2).
Genome position (GRCh38, 1-based): chr3:169,116,425, T>C on the plus strand (A>G on the coding strand, the complement: MECOM is on the minus strand). VCF-style: chr3-169116425-T-C. GRCh37 (hg19) VCF-style: chr3-168834213-T-C.
Other names: c.1078A>G, p.Thr360Ala (NM_001105077.4); c.883A>G, p.Thr295Ala (NM_001105078.4, NM_001164000.2, NM_001205194.2 and 4 more transcripts); c.886A>G, p.Thr296Ala (NM_001163999.2, NM_001366467.2, NM_001366468.2 and 1 more transcripts); c.1447A>G, p.Thr483Ala (NM_001366466.2); c.1133-658A>G (NM_001366473.2); c.569-658A>G (NM_001366474.2); short protein forms T295A, T483A, T296A, T360A.
Identifiers: ClinVar variation 4053086 (VCV004053086.1).